The following is an entry in ClinVar:

ClinVar aggregate classification (germline): Benign/Likely benign. Review status: criteria provided, multiple submitters, no conflicts (2 of 4 stars). 12 submissions from 11 submitters: Benign (5); Likely benign (5). 2 of the submissions do not count toward it. Last evaluated 2026-08-01.

Conditions:
RECQL4-related disorder. Also called: RECQL4-related condition; RECQL4-related disorders.
Rothmund-Thomson syndrome type 2 (RTS2). Identifiers: Orphanet 221016, MedGen C5203410, MONDO:0016369, OMIM 268400.
Rapadilino syndrome. Identifiers: Orphanet 3021, MedGen C1849453, MONDO:0009955, OMIM 266280.
Baller-Gerold syndrome (BGS). Also called: CRANIOSYNOSTOSIS WITH RADIAL DEFECTS. Identifiers: Orphanet 1225, MedGen C0265308, MONDO:0009039, OMIM 218600.

Allele frequency attached by ClinVar (database versions not stated): gnomAD exomes 0.00105; ExAC 0.00124; ESP Exome Variant Server 0.00296; gnomAD 0.00366 and 0.00390; TOPMed 0.00386; 1000 Genomes Project 0.00399; 1000 Genomes Project 30x 0.00437.
gnomAD v4.1: 1,266 of 1,612,438 alleles (0.079%); highest among the groups gnomAD compares: African/African-American, 1.1%; 6 homozygotes.

Submissions (12):

CeGaT Center for Human Genetics Tuebingen
Classification: Likely benign. Last evaluated: 2026-08-01. Review status: criteria provided, single submitter. Criteria: CeGaT Center For Human Genetics Tuebingen Variant Classification Criteria Version 2. Collection method: clinical testing. Allele origin: germline. Affected: yes. Observed: 10 variant alleles.
Comment: RECQL4: BP4, BS1

Dasa
Classification: Benign. Last evaluated: 2026-02-05. Review status: criteria provided, single submitter. Criteria: DASA Assertion Criteria. Collection method: clinical testing. Allele origin: germline.
Comment: NM_004260.4(RECQL4):c.3133G>A (p.Ala1045Thr) is interpreted as benign based on a combination of available evidence, which may include population frequency, observations in unaffected individuals, intact protein function, lack of segregation with disease, in silico models, amino acid conservation, lack of disease association in case-control studies, and/or inconsistency with the known disease mechanism or impacted region. Based on the available data, this variant is classified as benign.

Labcorp Genetics (formerly Invitae), Labcorp
Classification: Benign for Baller-Gerold syndrome. Last evaluated: 2026-01-31. Review status: criteria provided, single submitter. Criteria: Invitae Variant Classification Sherloc (09022015). Collection method: clinical testing. Allele origin: germline.

KCCC/NGS Laboratory, Kuwait Cancer Control Center
Classification: Benign for Rapadilino syndrome. Last evaluated: 2025-02-01. Review status: criteria provided, single submitter. Criteria: ACMG Guidelines, 2015. Collection method: clinical testing. Allele origin: germline. Affected: no.

Blueprint Genetics
Classification: Likely benign. Last evaluated: 2024-11-26. Review status: criteria provided, single submitter. Criteria: ACMG Guidelines, 2015. Collection method: clinical testing. Allele origin: germline.

KCCC/NGS Laboratory, Kuwait Cancer Control Center
Classification: Benign for Rothmund-Thomson syndrome type 2. Last evaluated: 2023-07-07. Review status: criteria provided, single submitter. Criteria: ACMG Guidelines, 2015. Collection method: clinical testing. Allele origin: germline. Affected: yes.

Genetic Services Laboratory, University of Chicago
Classification: Likely benign. Last evaluated: 2021-10-11. Review status: criteria provided, single submitter. Criteria: ACMG Guidelines, 2015. Collection method: clinical testing. Allele origin: germline. Affected: no.

GeneDx
Classification: Likely benign. Last evaluated: 2020-11-02. Review status: criteria provided, single submitter. Criteria: GeneDx Variant Classification Process June 2021. Collection method: clinical testing. Allele origin: germline. Affected: yes.

Eurofins Ntd Llc (ga)
Classification: Benign. Last evaluated: 2015-06-01. Review status: criteria provided, single submitter. Criteria: EGL Classification Definitions 2015. Collection method: clinical testing. Allele origin: germline. Observed: 1 variant allele, 1 heterozygote.

Breakthrough Genomics
Classification: Likely benign. Review status: criteria provided, single submitter. Criteria: ACMG Guidelines, 2015. Collection method: not provided. Allele origin: germline. Inheritance: Autosomal recessive inheritance. Affected: yes.

PreventionGenetics, part of Exact Sciences
Classification: Benign for RECQL4-related condition. Last evaluated: 2019-03-08. Review status: no assertion criteria provided. Collection method: clinical testing. Allele origin: germline. Not counted in ClinVar's aggregate classification.
Comment: This variant is classified as benign based on ACMG/AMP sequence variant interpretation guidelines (Richards et al. 2015 PMID: 25741868, with internal and published modifications).

ITMI
No classification provided. Condition: AllHighlyPenetrant. Last evaluated: 2013-09-19. Review status: no classification provided. Collection method: reference population. Allele origin: germline. Not counted in ClinVar's aggregate classification.
Comment: Please see associated publication for description of ethnicities

Literature cited by the submitters: PubMed 24728327 (cited by ITMI).

NM_004260.4(RECQL4):c.3133G>A (p.Ala1045Thr)

Gene: RECQL4 (RecQ like helicase 4; minus strand). Cytogenetic location: 8q24.3.
Variant type: single nucleotide variant.
Coding change: c.3133G>A on transcript NM_004260.4 (MANE Select); coding-DNA position 3133, G replaced by A.
Protein change: p.Ala1045Thr; replaces alanine 1045 with threonine.
Molecular consequence: missense variant.
Genome position (GRCh38, 1-based): chr8:144,512,247, C>T on the plus strand (G>A on the coding strand, the complement: RECQL4 is on the minus strand). VCF-style: chr8-144512247-C-T. GRCh37 (hg19) VCF-style: chr8-145737630-C-T.
Other names: short protein forms A1045T.
Identifiers: ClinVar variation 135148 (VCV000135148.54), dbSNP rs35348691, ClinGen allele CA161853.
Genomic context (GRCh38, chr8:144,512,247, plus strand): 5'-GGCGCTCCCGGGCCTGCACACGGCCATAGAGGAAGTCACATATCTGGTCCTTCTCCTCAG[C>T]GGTCAAGTCCCCCGGGCTGCGAAGGTGGAAGGCCAGCTCACTGAACTCCACAAGCACCCC-3'
Protein context (NP_004251.4, residues 1035-1055): FHLRSPGDLT[Ala1045Thr]EEKDQICDFL